The following is an entry in ClinVar:

ClinVar aggregate classification (germline): Uncertain significance (1 of 4 stars; one submission).

Allele frequency attached by ClinVar (database versions not stated): gnomAD exomes below 0.00001.
gnomAD v4.1: 1 of 1,614,160 alleles (0.000062%); highest among the groups gnomAD compares: South Asian, 0.0011%; no homozygotes.

Submission:

Ambry Genetics
Classification: Uncertain significance. Last evaluated: 2023-03-17. Review status: criteria provided, single submitter. Criteria: Ambry Variant Classification Scheme 2023. Collection method: clinical testing. Allele origin: germline.
Comment: The p.P50A variant (also known as c.148C>G), located in coding exon 3 of the RAD54L gene, results from a C to G substitution at nucleotide position 148. The proline at codon 50 is replaced by alanine, an amino acid with highly similar properties. This amino acid position is conserved. In addition, the in silico prediction for this alteration is inconclusive. Since supporting evidence is limited at this time, the clinical significance of this alteration remains unclear.

NM_003579.4(RAD54L):c.148C>G (p.Pro50Ala)

Gene: RAD54L (RAD54 like; plus strand). Cytogenetic location: 1p34.1.
Variant type: single nucleotide variant.
Coding change: c.148C>G on transcript NM_003579.4 (MANE Select); coding-DNA position 148, C replaced by G.
Protein change: p.Pro50Ala; replaces proline 50 with alanine.
Molecular consequence: missense variant. On other transcripts: 5 prime UTR variant (1).
Genome position (GRCh38, 1-based): chr1:46,250,057, C>G. VCF-style: chr1-46250057-C-G. GRCh37 (hg19) VCF-style: chr1-46715729-C-G.
Other names: c.148C>G, p.Pro50Ala (NM_001142548.2); c.-393C>G (NM_001370766.1); short protein forms P50A.
Identifiers: ClinVar variation 2562782 (VCV002562782.2), dbSNP rs749876360, ClinGen allele CA340175964.